The following is an entry in ClinVar:

ClinVar aggregate classification (germline): Likely pathogenic. Review status: criteria provided, single submitter (1 of 4 stars). 2 submissions from 2 submitters: Likely pathogenic (1). 1 of the submissions does not count toward it. Last evaluated 2017-04-17.

Conditions:
Familial thoracic aortic aneurysm and aortic dissection (TAAD). Also called: Thoracic aortic aneurysms and dissections. Identifiers: Orphanet 91387, MedGen C4707243, MONDO:0019625.
Ehlers-Danlos syndrome, type 4 (EDSVASC). Also called: Ehlers-Danlos syndrome vascular type; Ehlers Danlos syndrome, ecchymotic type; Ehlers Danlos syndrome, arterial type; Ehlers Danlos syndrome, Sack-Barabas type; Ehlers-Danlos Syndrome Type IV. Identifiers: Orphanet 286, MedGen C0268338, MONDO:0017314, OMIM 130050.

Submissions (2):

Ambry Genetics
Classification: Likely pathogenic for Familial thoracic aortic aneurysm and aortic dissection. Last evaluated: 2017-04-17. Review status: criteria provided, single submitter. Criteria: Ambry Variant Classification Scheme 2023. Collection method: clinical testing. Allele origin: germline.
Comment: The p.G1056D variant (also known as c.3167G>A), located in coding exon 43 of the COL3A1 gene, results from a G to A substitution at nucleotide position 3167. The glycine at codon 1056 is replaced by aspartic acid, an amino acid with similar properties. The majority (approximately two-thirds) of COL3A1 mutations identified to date have involved the substitution of another amino acid for glycine within the triple-helical domain (Pepin MG et al. Genet Med. 2014;16(12):881-8; Frank M et al. Eur J Hum Genet. 2015;23(12):1657-64). This particular glycine variant has been reported in a vascular Ehlers-Danlos syndrome (vEDS) cohort with limited clinical data as well as in a patient presenting with vEDS and neurological symptoms (Ananth AL et al. Semin Pediatr Neurol. 2014;21:77-81; Pepin MG et al. Genet. Med. 2014;16:881-8). Cultured dermal fibroblasts from one of these heterozygous individuals synthesized abnormal type III procollagen molecules (Ananth AL et al. Semin Pediatr Neurol. 2014;21:77-81). Internal structural analysis has demonstrated that this alteration disrupts the characteristic G-X-Y motif in the COL3A1 protein and inserts a bulky side chain into a sterically-constrained region (Bella J et al. Science. 1994;266:75-81; Hohenester E et al. Proc. Natl. Acad. Sci. U.S.A. 2008;105:18273-7). An amino acid substitution at the same codon, p.G1056S, has also been associated with vEDS (Pepin MG et al. Genet. Med. 2014;16:881-8). This amino acid position is highly conserved in available vertebrate species. In addition, this alteration is predicted to be deleterious by in silico analysis. Based on the majority of available evidence to date, this variant is likely to be pathogenic.

Collagen Diagnostic Laboratory, University of Washington
Classification: Pathogenic for Ehlers-Danlos syndrome, type 4. Review status: no assertion criteria provided. Collection method: clinical testing. Allele origin: germline. Affected: yes. Not counted in ClinVar's aggregate classification.

Literature cited by the submitters: PubMed 24922459 (cited by Ambry Genetics); PubMed 25149929 (cited by Ambry Genetics).

NM_000090.4(COL3A1):c.3167G>A (p.Gly1056Asp)

Gene: COL3A1 (collagen type III alpha 1 chain; plus strand). Cytogenetic location: 2q32.2.
Variant type: single nucleotide variant.
Coding change: c.3167G>A on transcript NM_000090.4 (MANE Select); coding-DNA position 3167, G replaced by A.
Protein change: p.Gly1056Asp; replaces glycine 1056 with aspartic acid.
Molecular consequence: missense variant.
Genome position (GRCh38, 1-based): chr2:189,006,418, G>A. VCF-style: chr2-189006418-G-A. GRCh37 (hg19) VCF-style: chr2-189871144-G-A.
Identifiers: ClinVar variation 101244 (VCV000101244.4), dbSNP rs587779540, ClinGen allele CA006156.